The following is an entry in ClinVar:

ClinVar aggregate classification (germline): Likely benign. Review status: criteria provided, multiple submitters, no conflicts (2 of 4 stars). 2 submissions from 2 submitters: Likely benign (2). Last evaluated 2025-08-01.

Conditions:
Muscular dystrophy-dystroglycanopathy (congenital with impaired intellectual development), type B, 2. Also called: MUSCULAR DYSTROPHY, CONGENITAL, POMT2-RELATED; Muscular dystrophy-dystroglycanopathy (congenital with intellectual disability), type B2. Identifiers: MedGen C3150416, MONDO:0013160, OMIM 613156.
Muscular dystrophy-dystroglycanopathy (congenital with brain and eye anomalies), type A2. Also called: MUSCULAR DYSTROPHY-DYSTROGLYCANOPATHY (CONGENITAL WITH BRAIN AND EYE ANOMALIES), TYPE A, 2; WALKER-WARBURG SYNDROME OR MUSCLE-EYE-BRAIN DISEASE, POMT2-RELATED. Identifiers: Orphanet 588, Orphanet 899, MedGen C3150411, MONDO:0013154, OMIM 613150.
Autosomal recessive limb-girdle muscular dystrophy type 2N. Also called: MUSCULAR DYSTROPHY-DYSTROGLYCANOPATHY, LIMB-GIRDLE, POMT2-RELATED; Muscular dystrophy-dystroglycanopathy (limb-girdle), type C, 2. Identifiers: Orphanet 206559, MedGen C3150418, MONDO:0013162, OMIM 613158.

Allele frequency attached by ClinVar (database versions not stated): gnomAD exomes below 0.00001; TOPMed below 0.00001.
gnomAD v4.1: 2 of 1,582,500 alleles (0.00013%); highest among the groups gnomAD compares: Non-Finnish European, 0.00017%; no homozygotes.

Submissions (2):

CeGaT Center for Human Genetics Tuebingen
Classification: Likely benign. Last evaluated: 2025-08-01. Review status: criteria provided, single submitter. Criteria: CeGaT Center For Human Genetics Tuebingen Variant Classification Criteria Version 2. Collection method: clinical testing. Allele origin: germline. Affected: yes. Observed: 1 variant allele.
Comment: POMT2: BP4, BP7

Labcorp Genetics (formerly Invitae), Labcorp
Classification: Likely benign for Muscular dystrophy-dystroglycanopathy (congenital with impaired intellectual development), type B, 2; Muscular dystrophy-dystroglycanopathy (congenital with brain and eye anomalies), type A2; Autosomal recessive limb-girdle muscular dystrophy type 2N. Last evaluated: 2023-08-14. Review status: criteria provided, single submitter. Criteria: Invitae Variant Classification Sherloc (09022015). Collection method: clinical testing. Allele origin: germline.

NM_013382.7(POMT2):c.90C>G (p.Gly30=)

Gene: POMT2 (protein O-mannosyltransferase 2; minus strand). Cytogenetic location: 14q24.3.
Variant type: single nucleotide variant.
Coding change: c.90C>G on transcript NM_013382.7 (MANE Select); coding-DNA position 90, C replaced by G.
Protein change: p.Gly30=; no amino-acid change (glycine 30 retained).
Molecular consequence: synonymous variant.
Genome position (GRCh38, 1-based): chr14:77,320,592, G>C on the plus strand (C>G on the coding strand, the complement: POMT2 is on the minus strand). VCF-style: chr14-77320592-G-C. GRCh37 (hg19) VCF-style: chr14-77786935-G-C.
Identifiers: ClinVar variation 1967522 (VCV001967522.13), dbSNP rs923004188, ClinGen allele CA263794966.
Genomic context (GRCh38, chr14:77,320,592, plus strand): 5'-CCGTGAGCCCCAAGCAGGCCGTTTGGGGCTTCGCGCCACAGCCTCAGCGGCCACGTCCCG[G>C]CCTGCGGCCCTAGCAGCCTGGGGGCCACAGCGGCCCCTCCGGGGACGCAGCTCGGACTCT-3'
Protein context (NP_037514.2, residues 20-40): RCGPQAARAA[Gly30=]RDVAAEAVAR